The following is an entry in ClinVar:

ClinVar aggregate classification (germline): Uncertain significance. Review status: criteria provided, multiple submitters, no conflicts (2 of 4 stars). 2 submissions from 2 submitters: Uncertain significance (2). Last evaluated 2025-06-18.

Conditions:
Ataxia-telangiectasia syndrome (AT). Also called: LOUIS-BAR SYNDROME; Cerebello-oculocutaneous telangiectasia; Immunodeficiency with ataxia telangiectasia; Ataxia-telangiectasia, complementation group D; AT, COMPLEMENTATION GROUP C; ATAXIA-TELANGIECTASIA, COMPLEMENTATION GROUP A. Identifiers: Orphanet 100, MedGen C0004135, MONDO:0008840, OMIM 208900.
Hereditary cancer-predisposing syndrome. Also called: Neoplastic Syndromes, Hereditary; Tumor predisposition; Hereditary Cancer Syndrome; Hereditary neoplastic syndrome. Identifiers: Orphanet 140162, MedGen C0027672, MeSH D009386, MONDO:0015356.

Submissions (2):

Ambry Genetics
Classification: Uncertain significance for Hereditary cancer-predisposing syndrome. Last evaluated: 2025-06-18. Review status: criteria provided, single submitter. Criteria: Ambry Variant Classification Scheme 2023. Collection method: clinical testing. Allele origin: germline.

Labcorp Genetics (formerly Invitae), Labcorp
Classification: Uncertain significance for Ataxia-telangiectasia syndrome. Last evaluated: 2023-09-17. Review status: criteria provided, single submitter. Criteria: Invitae Variant Classification Sherloc (09022015). Collection method: clinical testing. Allele origin: germline.
Comment: In summary, the available evidence is currently insufficient to determine the role of this variant in disease. Therefore, it has been classified as a Variant of Uncertain Significance. Algorithms developed to predict the effect of missense changes on protein structure and function output the following: SIFT: "Not Available"; PolyPhen-2: "Benign"; Align-GVGD: "Not Available". The isoleucine amino acid residue is found in multiple mammalian species, which suggests that this missense change does not adversely affect protein function. This missense change has been observed in individual(s) with ATM-related conditions (PMID: 30287823). ClinVar contains an entry for this variant (Variation ID: 1742578). This variant is not present in population databases (gnomAD no frequency). This sequence change replaces valine, which is neutral and non-polar, with isoleucine, which is neutral and non-polar, at codon 1570 of the ATM protein (p.Val1570Ile).

Literature cited by the submitters: PubMed 30287823 (cited by Labcorp Genetics (formerly Invitae), Labcorp).

NM_000051.4(ATM):c.4708G>A (p.Val1570Ile)

Gene: ATM (ATM serine/threonine kinase; plus strand). Cytogenetic location: 11q22.3.
Variant type: single nucleotide variant.
Coding change: c.4708G>A on transcript NM_000051.4 (MANE Select); coding-DNA position 4708, G replaced by A.
Protein change: p.Val1570Ile; replaces valine 1570 with isoleucine.
Molecular consequence: missense variant.
Genome position (GRCh38, 1-based): chr11:108,293,409, G>A. VCF-style: chr11-108293409-G-A. GRCh37 (hg19) VCF-style: chr11-108164136-G-A.
Other names: c.4708G>A, p.Val1570Ile (NM_001351834.2); short protein forms V1570I.
Identifiers: ClinVar variation 1742578 (VCV001742578.6), dbSNP rs2546931517, ClinGen allele CA382534888.